The following is an entry in ClinVar:

ClinVar aggregate classification (germline): Uncertain significance (1 of 4 stars; one submission).

Conditions:
Inborn genetic diseases. Identifiers: MedGen C0950123, MeSH D030342.

Submission:

Ambry Genetics
Classification: Uncertain significance for Inborn genetic diseases. Last evaluated: 2026-04-25. Review status: criteria provided, single submitter. Criteria: Ambry Variant Classification Scheme 2023. Collection method: clinical testing. Allele origin: germline.
Comment: The p.L1067S variant (also known as c.3200T>C), located in coding exon 15 of the MECOM gene, results from a T to C substitution at nucleotide position 3200. The leucine at codon 1067 is replaced by serine, an amino acid with dissimilar properties. This amino acid position is conserved. In addition, this alteration is predicted to be tolerated by in silico analysis. Based on the available evidence, the clinical significance of this variant remains unclear.

NM_004991.4(MECOM):c.3200T>C (p.Leu1067Ser)

Gene: MECOM (MDS1 and EVI1 complex locus; minus strand). Cytogenetic location: 3q26.2.
Variant type: single nucleotide variant.
Coding change: c.3200T>C on transcript NM_004991.4 (MANE Select); coding-DNA position 3200, T replaced by C.
Protein change: p.Leu1067Ser; replaces leucine 1067 with serine.
Molecular consequence: missense variant.
Genome position (GRCh38, 1-based): chr3:169,090,201, A>G on the plus strand (T>C on the coding strand, the complement: MECOM is on the minus strand). VCF-style: chr3-169090201-A-G. GRCh37 (hg19) VCF-style: chr3-168807989-A-G.
Other names: c.2831T>C, p.Leu944Ser (NM_001105077.4); c.2636T>C, p.Leu879Ser (NM_001105078.4, NM_001205194.2, NM_001366469.2 and 1 more transcripts); c.2612T>C, p.Leu871Ser (NM_001163999.2, NM_001366470.2); c.2609T>C, p.Leu870Ser (NM_001164000.2, NM_001366471.2, NM_001366472.2); c.3173T>C, p.Leu1058Ser (NM_001366466.2); c.2639T>C, p.Leu880Ser (NM_001366467.2, NM_001366468.2); c.2201T>C, p.Leu734Ser (NM_001366473.2); c.1637T>C, p.Leu546Ser (NM_001366474.2); short protein forms L1058S, L1067S, L546S, L734S, L870S, L871S, L879S, L880S.
Identifiers: ClinVar variation 4859754 (VCV004859754.1).
Genomic context (GRCh38, chr3:169,090,201, plus strand): 5'-AACAACACCTCATCTTCAACTTCTTCATCATCCAGCAAGTCTGAATTTTGACTGGTCACC[A>G]AAGCCTTTTCATCTTTAAAATGACTGCCATTCATTCTTTCAAAAGCATTAAAAAAAAAGT-3'
Protein context (NP_004982.2, residues 1057-1077): NGSHFKDEKA[Leu1067Ser]VTSQNSDLLD